The following is an entry in ClinVar:

NM_152783.5(D2HGDH):c.*433G>T

Gene: D2HGDH (D-2-hydroxyglutarate dehydrogenase; plus strand). Cytogenetic location: 2q37.3.
Variant type: single nucleotide variant.
Coding change: c.*433G>T on transcript NM_152783.5 (MANE Select); 433 bases downstream of the stop codon, G replaced by T.
Molecular consequence: 3 prime UTR variant. On other transcripts: non-coding transcript variant (1).
Genome position (GRCh38, 1-based): chr2:241,768,402, G>T. VCF-style: chr2-241768402-G-T. GRCh37 (hg19) VCF-style: chr2-242707817-G-T.
Other names: c.*433G>T (NM_001287249.2, NM_001352824.2).
Identifiers: ClinVar variation 898496 (VCV000898496.4), dbSNP rs146545933, ClinGen allele CA68571930.
Genomic context (GRCh38, chr2:241,768,402, plus strand): 5'-TTGCTGCTCGTTCCCCGGGCATGCGTGGGCAGCGGGGGGCATGCGTGGGCAGCAGGGGGC[G>T]TGGGCAGCGGGGGCACGGGCAGGACCACGTGGGCCGTGATCGTGGGTTGCCGAGAGGACC-3'

ClinVar aggregate classification (germline): Benign (1 of 4 stars; one submission).

Conditions:
D-2-hydroxyglutaric aciduria 1 (D2HGA1). Identifiers: Orphanet 79315, MedGen C3152055, MONDO:0024554, OMIM 600721.

Allele frequency attached by ClinVar (database versions not stated): TOPMed 0.00021; gnomAD exomes 0.00085; 1000 Genomes Project 0.00180; 1000 Genomes Project 30x 0.00187.
gnomAD v4.1: 76 of 192,362 alleles (0.04%); highest among the groups gnomAD compares: East Asian, 1.1%; 1 homozygote.

Submission:

Illumina Laboratory Services, Illumina
Classification: Benign for D-2-hydroxyglutaric aciduria 1. Last evaluated: 2017-04-27. Review status: criteria provided, single submitter. Criteria: ICSL Variant Classification Criteria 13 December 2019. Collection method: clinical testing. Allele origin: germline.
Comment: This variant was observed as part of a predisposition screen in an ostensibly healthy population. A literature search was performed for the gene, cDNA change, and amino acid change (where applicable). No publications were found based on this search. Allele frequency data from public databases was too high to be consistent with this variant causing disease. Therefore, this variant is classified as benign.